The following is an entry in ClinVar:

ClinVar aggregate classification (germline): Uncertain significance (1 of 4 stars; one submission).

Conditions:
SIM1-related disorder. Also called: SIM1-related disorders; SIM1-related condition.

gnomAD v4.1: 66 of 1,614,092 alleles (0.0041%); highest among the groups gnomAD compares: Non-Finnish European, 0.0045%; no homozygotes.

Submission:

PreventionGenetics, part of Exact Sciences
Classification: Uncertain significance for SIM1-related condition. Last evaluated: 2026-03-03. Review status: criteria provided, single submitter. Criteria: ACMG Guidelines, 2015. Collection method: clinical testing. Allele origin: germline.
Comment: The SIM1 c.1325G>T variant is predicted to result in the amino acid substitution p.Arg442Leu. To our knowledge, this variant has not been reported in the literature. This variant is reported in 0.0028% of alleles in individuals of Latino descent in gnomAD. At this time, the clinical significance of this variant is uncertain due to the absence of conclusive functional and genetic evidence.

NM_005068.3(SIM1):c.1325G>T (p.Arg442Leu)

Genes: SIM1 (SIM bHLH transcription factor 1; minus strand), SIM1-AS1 (SIM1 antisense RNA 1; plus strand). Cytogenetic location: 6q16.3.
Variant type: single nucleotide variant.
Coding change: c.1325G>T on transcript NM_005068.3 (MANE Select); coding-DNA position 1325, G replaced by T.
Protein change: p.Arg442Leu; replaces arginine 442 with leucine.
Molecular consequence: missense variant. On other transcripts: non-coding transcript variant (1).
Genome position (GRCh38, 1-based): chr6:100,393,732, C>A on the plus strand (G>T on the coding strand, the complement: SIM1 is on the minus strand). VCF-style: chr6-100393732-C-A. GRCh37 (hg19) VCF-style: chr6-100841608-C-A.
Other names: c.1325G>T, p.Arg442Leu (NM_001374769.1); short protein forms R442L.
Identifiers: ClinVar variation 4987565 (VCV004987565.1).